The following is an entry in ClinVar:

ClinVar aggregate classification (germline): Likely benign (1 of 4 stars; one submission).

Allele frequency attached by ClinVar (database versions not stated): 1000 Genomes Project 30x 0.00984; TOPMed 0.00717; 1000 Genomes Project 0.00919; gnomAD 0.00649 and 0.00688.
gnomAD v4.1: 976 of 152,092 alleles (0.64%); highest among the groups gnomAD compares: African/African-American, 2.2%; 13 homozygotes.

Submissions (2):

GeneDx
Classification: Likely benign. Last evaluated: 2018-06-14. Review status: criteria provided, single submitter. Criteria: GeneDx Variant Classification (06012015). Collection method: clinical testing. Allele origin: germline. Affected: yes.
Comment: This variant is considered likely benign or benign based on one or more of the following criteria: it is a conservative change, it occurs at a poorly conserved position in the protein, it is predicted to be benign by multiple in silico algorithms, and/or has population frequency not consistent with disease.

Dr. Peter K. Rogan Lab, Western University
No classification provided (evidence only). Condition: Malignant tumor of esophagus. Review status: no classification provided. Collection method: in vitro. Allele origin: not applicable. Functional consequence: retained intron. Not counted in ClinVar's aggregate classification.

NM_001035.3(RYR2):c.10726-181G>A

Gene: RYR2 (ryanodine receptor 2; plus strand). Cytogenetic location: 1q43.
Variant type: single nucleotide variant.
Coding change: c.10726-181G>A on transcript NM_001035.3 (MANE Select); 181 bases into the intron before coding-DNA position 10726, G replaced by A.
Molecular consequence: intron variant.
Genome position (GRCh38, 1-based): chr1:237,726,906, G>A. VCF-style: chr1-237726906-G-A. GRCh37 (hg19) VCF-style: chr1-237890206-G-A.
Other names: NC_000001.10:g.237890206G>A.
Identifiers: ClinVar variation 675679 (VCV000675679.2), dbSNP rs74724096, ClinGen allele CA39807152.